The following is an entry in ClinVar:

NM_000321.3(RB1):c.1575del (p.Phe526fs)

Gene: RB1 (RB transcriptional corepressor 1; plus strand). Cytogenetic location: 13q14.2.
Variant type: Deletion.
Coding change: c.1575del on transcript NM_000321.3 (MANE Select); coding-DNA position 1575, one base deleted (C; older notation c.1575delC).
Protein change: p.Phe526fs; shifts the reading frame from phenylalanine 526.
Molecular consequence: frameshift variant.
Genome position (GRCh38, 1-based): chr13:48,381,323, C deleted; the last of 2 consecutive C bases (chr13:48,381,322-48,381,323); deleting either gives the same sequence. VCF-style (leftmost placement, unchanged base first): chr13-48381321-GC-G. GRCh37 (hg19) VCF-style: chr13-48955457-GC-G.
Other names: c.1575delC (NM_000321.2); short protein forms F526fs.
Identifiers: ClinVar variation 428697 (VCV000428697.6), dbSNP rs1131690876, ClinGen allele CA483559467.
Genomic context (GRCh38, chr13:48,381,321, plus strand): 5'-AATCTTGATTCTGGAACAGATTTGTCTTTCCCATGGATTCTGAATGTGCTTAATTTAAAA[GC>G]CTTTGATTTTTACAAAGTGATCGAAAGTTTTATCAAAGCAGAAGGCAACTTGACAAGAGA-3'

ClinVar aggregate classification (germline): Pathogenic. Review status: criteria provided, multiple submitters, no conflicts (2 of 4 stars). 2 submissions from 2 submitters: Pathogenic (2). Last evaluated 2024-05-20.

Conditions:
Retinoblastoma (RB1). Also called: RETINOBLASTOMA, SOMATIC. Identifiers: Orphanet 790, MedGen C0035335, MeSH D012175, MONDO:0008380, OMIM 180200, HP:0009919. Disease mechanism: loss of function. Inheritance: Both sporadic and heritable forms are tested..
Hereditary cancer-predisposing syndrome. Also called: Hereditary Cancer Syndrome; Neoplastic Syndromes, Hereditary; Hereditary neoplastic syndrome; Tumor predisposition. Identifiers: Orphanet 140162, MedGen C0027672, MeSH D009386, MONDO:0015356.

Submissions (2):

Genetic Diagnostic Laboratory, University of Pennsylvania School of Medicine
Classification: Pathogenic for Retinoblastoma. Last evaluated: 2024-05-20. Review status: criteria provided, single submitter. Criteria: ACMG Guidelines, 2015. Collection method: clinical testing. Allele origin: germline. Affected: yes. Observed: 1 variant allele.
Comment: Case and Pedigree Information: BILATERAL CASES:0, UNILATERAL CASES:1, TOTAL CASES:1, PEDIGREES:1. ACMG Codes Applied:PVS1, PM2

Ambry Genetics
Classification: Pathogenic for Hereditary cancer-predisposing syndrome. Last evaluated: 2017-08-23. Review status: criteria provided, single submitter. Criteria: Ambry Variant Classification Scheme 2023. Collection method: clinical testing. Allele origin: germline.
Comment: The c.1575delC pathogenic mutation, located in coding exon 17 of the RB1 gene, results from a deletion of one nucleotide at nucleotide position 1575, causing a translational frameshift with a predicted alternate stop codon (p.F526Lfs*6). In addition to the clinical data presented in the literature, this alteration is expected to result in loss of function by premature protein truncation or nonsense-mediated mRNA decay. As such, this alteration is interpreted as a disease-causing mutation.